The following is an entry in ClinVar:

NM_000016.6(ACADM):c.945+239_945+240del

Gene: ACADM (acyl-CoA dehydrogenase medium chain; plus strand). Cytogenetic location: 1p31.1.
Variant type: Deletion.
Coding change: c.945+239_945+240del on transcript NM_000016.6 (MANE Select); bases 239 to 240 of the intron after coding-DNA position 945, 2 bases deleted (GT; older notation c.945+239_945+240delGT).
Molecular consequence: intron variant.
Genome position (GRCh38, 1-based): chr1:75,750,785-75,750,786, GT deleted; deleting any 2 consecutive bases within chr1:75,750,784-75,750,786 gives the same sequence; the c. name uses the placement nearest the transcript's 3' end. VCF-style (leftmost placement, unchanged base first): chr1-75750783-CTG-C. GRCh37 (hg19) VCF-style: chr1-76216468-CTG-C.
Other names: c.957+239_957+240del (NM_001127328.3); c.1044+239_1044+240del (NM_001286043.2); c.837+239_837+240del (NM_001286042.2); c.378+239_378+240del (NM_001286044.2).
Identifiers: ClinVar variation 679564 (VCV000679564.1), dbSNP rs138608745, ClinGen allele CA24632136.

ClinVar aggregate classification (germline): Benign (1 of 4 stars; one submission).

Submission:

GeneDx
Classification: Benign. Last evaluated: 2018-06-16. Review status: criteria provided, single submitter. Criteria: GeneDx Variant Classification (06012015). Collection method: clinical testing. Allele origin: germline. Affected: yes.
Comment: This variant is considered likely benign or benign based on one or more of the following criteria: it is a conservative change, it occurs at a poorly conserved position in the protein, it is predicted to be benign by multiple in silico algorithms, and/or has population frequency not consistent with disease.